The following is an entry in ClinVar:

NM_000051.4(ATM):c.2251-2A>G

Gene: ATM (ATM serine/threonine kinase; plus strand). Cytogenetic location: 11q22.3.
Variant type: single nucleotide variant.
Coding change: c.2251-2A>G on transcript NM_000051.4 (MANE Select); the canonical splice acceptor site of the intron before coding-DNA position 2251, A replaced by G.
Molecular consequence: splice acceptor variant.
Genome position (GRCh38, 1-based): chr11:108,257,479, A>G. VCF-style: chr11-108257479-A-G. GRCh37 (hg19) VCF-style: chr11-108128206-A-G.
Other names: c.2251-2A>G (NM_001351834.2).
Identifiers: ClinVar variation 1323665 (VCV001323665.5), dbSNP rs2135405559, ClinGen allele CA382539486.

ClinVar aggregate classification (germline): Pathogenic/Likely pathogenic. Review status: criteria provided, multiple submitters, no conflicts (2 of 4 stars). 2 submissions from 2 submitters: Pathogenic (1); Likely pathogenic (1). Last evaluated 2024-01-17.

Conditions:
Familial cancer of breast. Also called: BREAST CANCER, FAMILIAL; hereditary breast carcinoma; Hereditary breast cancer. Identifiers: Orphanet 227535, MedGen C0346153, MONDO:0016419, OMIM 114480. Disease mechanism: loss of function.
Ataxia-telangiectasia syndrome (AT). Also called: LOUIS-BAR SYNDROME; Cerebello-oculocutaneous telangiectasia; Immunodeficiency with ataxia telangiectasia; Ataxia-telangiectasia, complementation group D; AT, COMPLEMENTATION GROUP C; ATAXIA-TELANGIECTASIA, COMPLEMENTATION GROUP A. Identifiers: Orphanet 100, MedGen C0004135, MONDO:0008840, OMIM 208900.

Submissions (2):

Myriad Genetics, Inc.
Classification: Likely pathogenic for Familial cancer of breast. Last evaluated: 2024-01-17. Review status: criteria provided, single submitter. Criteria: Myriad Autosomal Dominant, Autosomal Recessive and X-Linked Classification Criteria (2023). Collection method: clinical testing. Allele origin: unknown.
Comment: This variant is considered likely pathogenic. This variant occurs within a consensus splice junction and is predicted to result in abnormal mRNA splicing of either an out-of-frame exon or an in-frame exon necessary for protein stability and/or normal function. mRNA analysis has demonstrated abnormal mRNA splicing occurs [Myriad internal data, PMID: 8808599, 9872980].

Revvity Omics, Revvity
Classification: Pathogenic for Ataxia-telangiectasia syndrome. Last evaluated: 2019-04-08. Review status: criteria provided, single submitter. Criteria: ACMG Guidelines, 2015. Collection method: clinical testing. Allele origin: germline.

Literature cited by the submitters: PubMed 8808599 (cited by Myriad Genetics, Inc.); PubMed 9872980 (cited by Myriad Genetics, Inc.).